The following is an entry in ClinVar:

NM_020928.2(ZSWIM6):c.1183G>A (p.Val395Met)

Gene: ZSWIM6 (zinc finger SWIM-type containing 6; plus strand). Cytogenetic location: 5q12.1.
Variant type: single nucleotide variant.
Coding change: c.1183G>A on transcript NM_020928.2 (MANE Select); coding-DNA position 1183, G replaced by A.
Protein change: p.Val395Met; replaces valine 395 with methionine.
Molecular consequence: missense variant.
Genome position (GRCh38, 1-based): chr5:61,494,260, G>A. VCF-style: chr5-61494260-G-A. GRCh37 (hg19) VCF-style: chr5-60790087-G-A.
Other names: short protein forms V395M.
Identifiers: ClinVar variation 2089884 (VCV002089884.4), dbSNP rs1748263040, ClinGen allele CA359942429.

ClinVar aggregate classification (germline): Uncertain significance (1 of 4 stars; one submission).

Allele frequency attached by ClinVar (database versions not stated): gnomAD exomes below 0.00001; TOPMed below 0.00001; gnomAD 0.00001.
gnomAD v4.1: 3 of 1,550,448 alleles (0.00019%); highest among the groups gnomAD compares: Non-Finnish European, 0.00026%; no homozygotes.

Submission:

Labcorp Genetics (formerly Invitae), Labcorp
Classification: Uncertain significance. Last evaluated: 2022-02-26. Review status: criteria provided, single submitter. Criteria: Invitae Variant Classification Sherloc (09022015). Collection method: clinical testing. Allele origin: germline.
Comment: Algorithms developed to predict the effect of missense changes on protein structure and function are either unavailable or do not agree on the potential impact of this missense change (SIFT: "Deleterious"; PolyPhen-2: "Probably Damaging"; Align-GVGD: "Class C0"). This variant has not been reported in the literature in individuals affected with ZSWIM6-related conditions. This variant is not present in population databases (gnomAD no frequency). This sequence change replaces valine, which is neutral and non-polar, with methionine, which is neutral and non-polar, at codon 395 of the ZSWIM6 protein (p.Val395Met). In summary, the available evidence is currently insufficient to determine the role of this variant in disease. Therefore, it has been classified as a Variant of Uncertain Significance.